The following is an entry in ClinVar:

NM_000091.5(COL4A3):c.4225G>T (p.Gly1409Cys)

Genes: COL4A3 (collagen type IV alpha 3 chain; plus strand), MFF-DT (MFF divergent transcript; minus strand). Cytogenetic location: 2q36.3.
Variant type: single nucleotide variant.
Coding change: c.4225G>T on transcript NM_000091.5 (MANE Select); coding-DNA position 4225, G replaced by T.
Protein change: p.Gly1409Cys; replaces glycine 1409 with cysteine.
Molecular consequence: missense variant.
Genome position (GRCh38, 1-based): chr2:227,305,056, G>T. VCF-style: chr2-227305056-G-T. GRCh37 (hg19) VCF-style: chr2-228169772-G-T.
Other names: short protein forms G1409C.
Identifiers: ClinVar variation 4526247 (VCV004526247.1).
Genomic context (GRCh38, chr2:227,305,056, plus strand): 5'-CCAAGAGGTAAGCCAGGCAAGGATGGAAAACCAGGAACTCCTGGACCAGCTGGAGAAAAA[G>T]GCAACAAAGGTTCTAAAGGAGAGCCAGGTAAACCCCCAGCTTGTTTCCTCACCGAAGAAG-3'
Protein context (NP_000082.2, residues 1399-1419): PGTPGPAGEK[Gly1409Cys]NKGSKGEPGP

ClinVar aggregate classification (germline): Uncertain significance (1 of 4 stars; one submission).

Submission:

Women's Health and Genetics/Laboratory Corporation of America, LabCorp
Classification: Uncertain significance. Last evaluated: 2025-07-23. Review status: criteria provided, single submitter. Criteria: LabCorp Variant Classification Summary - May 2015. Collection method: clinical testing. Allele origin: germline.
Comment: Variant summary: COL4A3 c.4225G>T (p.Gly1409Cys) results in a non-conservative amino acid change located in the Collagen triple helix repeat (20 copies) (IPR008160) of the encoded protein sequence. Algorithms developed to predict the effect of missense changes on protein structure and function all suggest that this variant is likely to be disruptive. The variant was absent in 248948 control chromosomes. The available data on variant occurrences in the general population are insufficient to allow any conclusion about variant significance. To our knowledge, no occurrence of c.4225G>T in individuals affected with Alport Syndrome, Autosomal Recessive and no experimental evidence demonstrating its impact on protein function have been reported. No submitters have cited clinical-significance assessments for this variant to ClinVar. Based on the evidence outlined above, the variant was classified as uncertain significance.